The following is an entry in ClinVar:

ClinVar aggregate classification (germline): Benign/Likely benign. Review status: criteria provided, multiple submitters, no conflicts (2 of 4 stars). 3 submissions from 3 submitters: Benign (1); Likely benign (1). 1 of the submissions does not count toward it. Last evaluated 2025-03-01.

Conditions:
Cataract 10 multiple types. Also called: CATARACT 10, CONGENITAL ZONULAR, WITH SUTURAL OPACITIES. Identifiers: Orphanet 91492, MedGen C1833229, MONDO:0010948, OMIM 600881.
CRYBA1-related disorder. Also called: CRYBA1-related condition.

Allele frequency attached by ClinVar (database versions not stated): 1000 Genomes Project 30x 0.00016; 1000 Genomes Project 0.00020; ExAC 0.00114; ESP Exome Variant Server 0.00169.
gnomAD v4.1: 2,756 of 1,613,392 alleles (0.17%); highest among the groups gnomAD compares: Non-Finnish European, 0.22%; 4 homozygotes.

Submissions (3):

CeGaT Center for Human Genetics Tuebingen
Classification: Benign. Last evaluated: 2025-03-01. Review status: criteria provided, single submitter. Criteria: CeGaT Center For Human Genetics Tuebingen Variant Classification Criteria Version 2. Collection method: clinical testing. Allele origin: germline. Affected: yes. Observed: 1 variant allele.
Comment: CRYBA1: BP4, BS1, BS2

Labcorp Genetics (formerly Invitae), Labcorp
Classification: Likely benign for Cataract 10 multiple types. Last evaluated: 2025-02-20. Review status: criteria provided, single submitter. Criteria: Invitae Variant Classification Sherloc (09022015). Collection method: clinical testing. Allele origin: germline.

PreventionGenetics, part of Exact Sciences
Classification: Likely benign for CRYBA1-related condition. Last evaluated: 2023-06-27. Review status: no assertion criteria provided. Collection method: clinical testing. Allele origin: germline. Not counted in ClinVar's aggregate classification.
Comment: This variant is classified as likely benign based on ACMG/AMP sequence variant interpretation guidelines (Richards et al. 2015 PMID: 25741868, with internal and published modifications).

NM_005208.5(CRYBA1):c.173G>A (p.Arg58His)

Gene: CRYBA1 (crystallin beta A1; plus strand). Cytogenetic location: 17q11.2.
Variant type: single nucleotide variant.
Coding change: c.173G>A on transcript NM_005208.5 (MANE Select); coding-DNA position 173, G replaced by A.
Protein change: p.Arg58His; replaces arginine 58 with histidine.
Molecular consequence: missense variant.
Genome position (GRCh38, 1-based): chr17:29,250,258, G>A. VCF-style: chr17-29250258-G-A. GRCh37 (hg19) VCF-style: chr17-27577276-G-A.
Other names: c.173G>A (NM_005208.4); short protein forms R58H.
Identifiers: ClinVar variation 1571486 (VCV001571486.17), dbSNP rs147994059, ClinGen allele CA8473685.
Genomic context (GRCh38, chr17:29,250,258, plus strand): 5'-AGGAGAACTTTCAGGGCAAGAGGATGGAGTTCACCAGCTCCTGTCCAAATGTCTCTGAGC[G>A]CAGTTTTGATAATGTCCGGTCCCTGAAGGTGGAAAGTGGCGCGTGAGTATGGACTTCCGC-3'
Protein context (NP_005199.2, residues 48-68): FTSSCPNVSE[Arg58His]SFDNVRSLKV